The following is an entry in ClinVar:

ClinVar aggregate classification (germline): Conflicting classifications of pathogenicity. Review status: criteria provided, conflicting classifications (1 of 4 stars). 3 submissions from 3 submitters: Uncertain significance (1); Benign (1). 1 of the submissions does not count toward it. Last evaluated 2026-01-17.

Conditions:
Inborn genetic diseases. Identifiers: MedGen C0950123, MeSH D030342.
CAST-related disorder. Also called: CAST-related condition.

Allele frequency attached by ClinVar (database versions not stated): 1000 Genomes Project 0.00080; gnomAD 0.00225; 1000 Genomes Project 30x 0.00094; ExAC 0.00077; TOPMed 0.00260; ESP Exome Variant Server 0.00277.
gnomAD v4.1: 727 of 1,607,712 alleles (0.045%); highest among the groups gnomAD compares: African/African-American, 0.78%; 3 homozygotes.

Submissions (3):

Labcorp Genetics (formerly Invitae), Labcorp
Classification: Benign. Last evaluated: 2026-01-17. Review status: criteria provided, single submitter. Criteria: Invitae Variant Classification Sherloc (09022015). Collection method: clinical testing. Allele origin: germline.

Ambry Genetics
Classification: Uncertain significance for Inborn genetic diseases. Last evaluated: 2021-07-06. Review status: criteria provided, single submitter. Criteria: Ambry Variant Classification Scheme 2023. Collection method: clinical testing. Allele origin: germline.

PreventionGenetics, part of Exact Sciences
Classification: Benign for CAST-related condition. Last evaluated: 2020-08-07. Review status: no assertion criteria provided. Collection method: clinical testing. Allele origin: germline. Not counted in ClinVar's aggregate classification.
Comment: This variant is classified as benign based on ACMG/AMP sequence variant interpretation guidelines (Richards et al. 2015 PMID: 25741868, with internal and published modifications).

NM_001750.7(CAST):c.1649G>A (p.Arg550His)

Gene: CAST (calpastatin; plus strand). Cytogenetic location: 5q15.
Variant type: single nucleotide variant.
Coding change: c.1649G>A on transcript NM_001750.7 (MANE Select); coding-DNA position 1649, G replaced by A.
Protein change: p.Arg550His; replaces arginine 550 with histidine.
Molecular consequence: missense variant. On other transcripts: non-coding transcript variant (1).
Genome position (GRCh38, 1-based): chr5:96,754,680, G>A. VCF-style: chr5-96754680-G-A. GRCh37 (hg19) VCF-style: chr5-96090384-G-A.
Other names: c.1526G>A, p.Arg509His (NM_001042440.5, NM_001330627.2); c.1592G>A, p.Arg531His (NM_001042441.3); c.1583G>A, p.Arg528His (NM_001042442.3, NM_001329966.1); c.1400G>A, p.Arg467His (NM_001042443.3); c.1277G>A, p.Arg426His (NM_001042444.3, NM_001284212.4); c.1295G>A, p.Arg432His (NM_001042445.3); c.1238G>A, p.Arg413His (NM_001042446.3, NM_001330630.2); c.1361G>A, p.Arg454His (NM_001190442.2, NM_001330631.2); and 9 more; short protein forms R395H, R426H, R522H, R445H, R467H, R550H, R413H, R435H.
Identifiers: ClinVar variation 2226066 (VCV002226066.7), dbSNP rs113315765, ClinGen allele CA3351401.
Genomic context (GRCh38, chr5:96,754,680, plus strand): 5'-AAACATGCTAACAATGAAAATGGTATAATTTTTCTCAGGAGAAGGCCAAAGAAGAAGACC[G>A]TGAAAAGCTTGGTGAAAAAGAAGAAACAATTCCTCCTGATTATAGATTAGAAGAGGTCAA-3'
Protein context (NP_001741.4, residues 540-560): KVKEKAKEED[Arg550His]EKLGEKEETI